The following is an entry in ClinVar:

ClinVar aggregate classification (germline): Likely benign (1 of 4 stars; one submission).

Conditions:
Myoglobinuria, acute recurrent, autosomal recessive. Also called: MYOGLOBINURIA, FAMILIAL PAROXYSMAL PARALYTIC; RHABDOMYOLYSIS, ACUTE RECURRENT; Myoglobinuria, recurrent, autosomal recessive. Identifiers: Orphanet 99845, MedGen C1849386, MONDO:0009992, OMIM 268200.

Allele frequency attached by ClinVar (database versions not stated): TOPMed 0.00168; gnomAD 0.00170; 1000 Genomes Project 30x 0.00187; 1000 Genomes Project 0.00200.

Submission:

Illumina Laboratory Services, Illumina
Classification: Likely benign for Myoglobinuria, acute recurrent, autosomal recessive. Last evaluated: 2018-01-13. Review status: criteria provided, single submitter. Criteria: ICSL Variant Classification Criteria 13 December 2019. Collection method: clinical testing. Allele origin: germline.
Comment: This variant was observed in the ICSL laboratory as part of a predisposition screen in an ostensibly healthy population. It had not been previously curated by ICSL or reported in the Human Gene Mutation Database (HGMD: prior to June 1st, 2018), and was therefore a candidate for classification through an automated scoring system. Utilizing variant allele frequency, disease prevalence and penetrance estimates, and inheritance mode, an automated score was calculated to assess if this variant is too frequent to cause the disease. Based on the score and internal cut-off values, a variant classified as likely benign is not then subjected to further curation. The score for this variant resulted in a classification of likely benign for this disease.

NM_001349206.2(LPIN1):c.*1656G>C

Gene: LPIN1 (lipin 1; plus strand). Cytogenetic location: 2p25.1.
Variant type: single nucleotide variant.
Coding change: c.*1656G>C on transcript NM_001349206.2 (MANE Select); 1656 bases downstream of the stop codon, G replaced by C.
Molecular consequence: 3 prime UTR variant. On other transcripts: non-coding transcript variant (1).
Genome position (GRCh38, 1-based): chr2:11,826,447, G>C. VCF-style: chr2-11826447-G-C. GRCh37 (hg19) VCF-style: chr2-11966573-G-C.
Other names: c.*1656G>C (NM_001261427.3, NM_001261428.3, NM_001349199.2 and 9 more transcripts).
Identifiers: ClinVar variation 330942 (VCV000330942.5), dbSNP rs532325743, ClinGen allele CA10610676.
Genomic context (GRCh38, chr2:11,826,447, plus strand): 5'-GATGTGCATGTGCAGATTCCCTTTTGCAGGTATTAAAAATAATTAAAAATAGTCCTGCCT[G>C]AGGTTGCAGTGAGCCGAGCTTGCACTACTGCACTCCAGCCTGGGTGACAGAGTAAGACTC-3'